The following is an entry in ClinVar:

NM_019055.6(ROBO4):c.2279C>T (p.Pro760Leu)

Gene: ROBO4 (roundabout guidance receptor 4; minus strand). Cytogenetic location: 11q24.2.
Variant type: single nucleotide variant.
Coding change: c.2279C>T on transcript NM_019055.6 (MANE Select); coding-DNA position 2279, C replaced by T.
Protein change: p.Pro760Leu; replaces proline 760 with leucine.
Molecular consequence: missense variant.
Genome position (GRCh38, 1-based): chr11:124,887,133, G>A on the plus strand (C>T on the coding strand, the complement: ROBO4 is on the minus strand). VCF-style: chr11-124887133-G-A. GRCh37 (hg19) VCF-style: chr11-124757029-G-A.
Other names: c.1844C>T, p.Pro615Leu (NM_001301088.2); short protein forms P615L, P760L.
Identifiers: ClinVar variation 2691018 (VCV002691018.3), dbSNP rs146276743, ClinGen allele CA6344636.

ClinVar aggregate classification (germline): Benign. Review status: criteria provided, single submitter (1 of 4 stars). 2 submissions from 2 submitters: Benign (1). 1 of the submissions does not count toward it. Last evaluated 2022-12-01.

Conditions:
Familial thoracic aortic aneurysm and aortic dissection (TAAD). Also called: Thoracic aortic aneurysms and dissections. Identifiers: Orphanet 91387, MedGen C4707243, MONDO:0019625.
ROBO4-related disorder. Also called: ROBO4-related condition.

Allele frequency attached by ClinVar (database versions not stated): TOPMed 0.00350; ESP Exome Variant Server 0.00385; gnomAD 0.00388; gnomAD exomes 0.00496; ExAC 0.00517; 1000 Genomes Project 30x 0.00562; 1000 Genomes Project 0.00619.
gnomAD v4.1: 7,904 of 1,613,338 alleles (0.49%); highest among the groups gnomAD compares: South Asian, 1.7%; 45 homozygotes.

Submissions (2):

CHEO Genetics Diagnostic Laboratory, Children's Hospital of Eastern Ontario
Classification: Benign for Familial thoracic aortic aneurysm and aortic dissection. Last evaluated: 2022-12-01. Review status: criteria provided, single submitter. Criteria: ACMG Guidelines, 2015. Collection method: clinical testing. Allele origin: germline.

PreventionGenetics, part of Exact Sciences
Classification: Benign for ROBO4-related condition. Last evaluated: 2019-07-03. Review status: no assertion criteria provided. Collection method: clinical testing. Allele origin: germline. Not counted in ClinVar's aggregate classification.
Comment: This variant is classified as benign based on ACMG/AMP sequence variant interpretation guidelines (Richards et al. 2015 PMID: 25741868, with internal and published modifications).